The following is an entry in ClinVar:

ClinVar aggregate classification (germline): Uncertain significance (1 of 4 stars; one submission).

Conditions:
Cardiovascular phenotype. Identifiers: MedGen CN230736.

gnomAD v4.1: 1 of 1,613,008 alleles (0.000062%); highest among the groups gnomAD compares: Non-Finnish European, 0.000085%; no homozygotes.

Submission:

Ambry Genetics
Classification: Uncertain significance for Cardiovascular phenotype. Last evaluated: 2025-12-16. Review status: criteria provided, single submitter. Criteria: Ambry Variant Classification Scheme 2023. Collection method: clinical testing. Allele origin: germline.
Comment: The p.S446L variant (also known as c.1337C>T), located in coding exon 7 of the EPHB4 gene, results from a C to T substitution at nucleotide position 1337. The serine at codon 446 is replaced by leucine, an amino acid with dissimilar properties. This amino acid position is conserved. In addition, this alteration is predicted to be tolerated by in silico analysis. Based on the available evidence, the clinical significance of this variant remains unclear.

NM_004444.5(EPHB4):c.1337C>T (p.Ser446Leu)

Gene: EPHB4 (EPH receptor B4; minus strand). Cytogenetic location: 7q22.1.
Variant type: single nucleotide variant.
Coding change: c.1337C>T on transcript NM_004444.5 (MANE Select); coding-DNA position 1337, C replaced by T.
Protein change: p.Ser446Leu; replaces serine 446 with leucine.
Molecular consequence: missense variant.
Genome position (GRCh38, 1-based): chr7:100,818,605, G>A on the plus strand (C>T on the coding strand, the complement: EPHB4 is on the minus strand). VCF-style: chr7-100818605-G-A. GRCh37 (hg19) VCF-style: chr7-100416227-G-A.
Other names: short protein forms S446L.
Identifiers: ClinVar variation 4842533 (VCV004842533.1).